The following is an entry in ClinVar:

ClinVar aggregate classification (germline): Uncertain significance (1 of 4 stars; one submission).

Submission:

Women's Health and Genetics/Laboratory Corporation of America, LabCorp
Classification: Uncertain significance. Last evaluated: 2024-12-16. Review status: criteria provided, single submitter. Criteria: LabCorp Variant Classification Summary - May 2015. Collection method: clinical testing. Allele origin: germline.
Comment: Variant summary: CACNA1C c.5527C>T (p.His1843Tyr) results in a conservative amino acid change in the encoded protein sequence. Five of five in-silico tools predict a benign effect of the variant on protein function. The variant was absent in 247298 control chromosomes. The available data on variant occurrences in the general population are insufficient to allow any conclusion about variant significance. To our knowledge, no occurrence of c.5527C>T in individuals affected with Timothy Syndrome and no experimental evidence demonstrating its impact on protein function have been reported. No submitters have cited clinical-significance assessments for this variant to ClinVar. Based on the evidence outlined above, the variant was classified as uncertain significance.

NM_000719.7(CACNA1C):c.5527C>T (p.His1843Tyr)

Genes: CACNA1C (calcium voltage-gated channel subunit alpha1 C; plus strand), CACNA1C-AS1 (CACNA1C antisense RNA 1; minus strand). Cytogenetic location: 12p13.33.
Variant type: single nucleotide variant.
Coding change: c.5527C>T on transcript NM_000719.7 (MANE Select); coding-DNA position 5527, C replaced by T.
Protein change: p.His1843Tyr; replaces histidine 1843 with tyrosine.
Molecular consequence: missense variant.
Genome position (GRCh38, 1-based): chr12:2,682,632, C>T. VCF-style: chr12-2682632-C-T. GRCh37 (hg19) VCF-style: chr12-2791798-C-T.
Other names: c.5671C>T, p.His1891Tyr (NM_001129827.2); c.5650C>T, p.His1884Tyr (NM_001129829.2); c.5632C>T, p.His1878Tyr (NM_001129830.3, NM_001167624.3); c.5611C>T, p.His1871Tyr (NM_001129831.2); c.5587C>T, p.His1863Tyr (NM_001129832.2); c.5584C>T, p.His1862Tyr (NM_001129833.2, NM_001129834.2, NM_001129835.2); c.5578C>T, p.His1860Tyr (NM_001129836.2); c.5551C>T, p.His1851Tyr (NM_001129837.2, NM_001129838.2); and 6 more; short protein forms H1832Y, H1840Y, H1843Y, H1849Y, H1851Y, H1860Y, H1862Y, H1863Y.
Identifiers: ClinVar variation 3768043 (VCV003768043.1).